The following is an entry in ClinVar:

NM_000093.5(COL5A1):c.4447G>T (p.Gly1483Cys)

Genes: COL5A1 (collagen type V alpha 1 chain; plus strand), LOC101448202 (uncharacterized LOC101448202; minus strand). Cytogenetic location: 9q34.3.
Variant type: single nucleotide variant.
Coding change: c.4447G>T on transcript NM_000093.5 (MANE Select); coding-DNA position 4447, G replaced by T.
Protein change: p.Gly1483Cys; replaces glycine 1483 with cysteine.
Molecular consequence: missense variant. On other transcripts: non-coding transcript variant (1).
Genome position (GRCh38, 1-based): chr9:134,820,116, G>T. VCF-style: chr9-134820116-G-T. GRCh37 (hg19) VCF-style: chr9-137711962-G-T.
Other names: c.4447G>T, p.Gly1483Cys (NM_001278074.1); short protein forms G1483C.
Identifiers: ClinVar variation 459694 (VCV000459694.3), dbSNP rs1554806963, ClinGen allele CA375457726.
Genomic context (GRCh38, chr9:134,820,116, plus strand): 5'-GTGGCCGAGCATGAGGCGTGGCTCCCTCAAATGCCCCTTCCTGTCTTCATTTTCCCACAG[G>T]GTCATCCAGGCCTGATCGGGCTCATCGGTCCTCCGGGTGAACAGGGTGAGAAGGGCGACC-3'
Protein context (NP_000084.3, residues 1473-1493): KGDSGPKGEK[Gly1483Cys]HPGLIGLIGP

ClinVar aggregate classification (germline): Uncertain significance (1 of 4 stars; one submission).

Conditions:
Ehlers-Danlos syndrome, classic type (cEDS). Identifiers: Orphanet 287, MedGen C4225429, MONDO:0007522.

Submission:

Labcorp Genetics (formerly Invitae), Labcorp
Classification: Uncertain significance for Ehlers-Danlos syndrome, classic type. Last evaluated: 2018-02-27. Review status: criteria provided, single submitter. Criteria: Invitae Variant Classification Sherloc (09022015). Collection method: clinical testing. Allele origin: germline.
Comment: This sequence change replaces glycine with cysteine at codon 1483 of the COL5A1 protein (p.Gly1483Cys). The glycine residue is highly conserved and there is a large physicochemical difference between glycine and cysteine. This variant is not present in population databases (ExAC no frequency) and has not been reported in the literature in individuals with a COL5A1-related disease. ClinVar contains an entry for this variant (Variation ID: 459694). Algorithms developed to predict the effect of missense changes on protein structure and function do not agree on the potential impact of this missense change (SIFT: "Deleterious"; PolyPhen-2: "Probably Damaging"; Align-GVGD: "Class C0"). Glycine residues within the Gly-Xaa-Yaa repeats of the triple helix domain are required for the structure and stability of fibrillar collagens (PMID: 7695699, 8218237, 19344236), and missense variants at these glycine residues in COL5A1 are more frequently observed in individuals with disease than in the general population (PMID: 22696272, 23587214). However, the clinical significance of this observation remains uncertain since only a limited number of affected individuals have been described to date. In summary, the available evidence is currently insufficient to determine the role of this variant in disease. Therefore, it has been classified as a Variant of Uncertain Significance.

Literature cited by the submitters: PubMed 7695699; PubMed 22696272; PubMed 19344236; PubMed 8218237; PubMed 23587214.